The following is an entry in ClinVar:

NM_001429.4(EP300):c.5591C>G (p.Thr1864Ser)

Gene: EP300 (E1A binding protein p300; plus strand). Cytogenetic location: 22q13.2.
Variant type: single nucleotide variant.
Coding change: c.5591C>G on transcript NM_001429.4 (MANE Select); coding-DNA position 5591, C replaced by G.
Protein change: p.Thr1864Ser; replaces threonine 1864 with serine.
Molecular consequence: missense variant.
Genome position (GRCh38, 1-based): chr22:41,177,302, C>G. VCF-style: chr22-41177302-C-G. GRCh37 (hg19) VCF-style: chr22-41573306-C-G.
Other names: c.5513C>G, p.Thr1838Ser (NM_001362843.2); short protein forms T1838S, T1864S.
Identifiers: ClinVar variation 2629745 (VCV002629745.1), dbSNP rs2145516590, ClinGen allele CA411709307.

ClinVar aggregate classification (germline): Uncertain significance (1 of 4 stars; one submission).

Conditions:
EP300-related disorder. Also called: EP300-related disorders; EP300-related condition.

Submission:

PreventionGenetics, part of Exact Sciences
Classification: Uncertain significance for EP300-related condition. Last evaluated: 2022-12-19. Review status: criteria provided, single submitter. Criteria: ACMG Guidelines, 2015. Collection method: clinical testing. Allele origin: germline.
Comment: The EP300 c.5591C>G variant is predicted to result in the amino acid substitution p.Thr1864Ser. To our knowledge, this variant has not been reported in the literature or in a large population database, indicating this variant is rare. At this time, the clinical significance of this variant is uncertain due to the absence of conclusive functional and genetic evidence.